The following is an entry in ClinVar:

NM_000079.4(CHRNA1):c.235-347A>T

Gene: CHRNA1 (cholinergic receptor nicotinic alpha 1 subunit; minus strand). Cytogenetic location: 2q31.1.
Variant type: single nucleotide variant.
Coding change: c.235-347A>T on transcript NM_000079.4 (MANE Select); 347 bases into the intron before coding-DNA position 235, A replaced by T.
Molecular consequence: intron variant. On other transcripts: splice acceptor variant (1).
Genome position (GRCh38, 1-based): chr2:174,758,022, T>A on the plus strand (A>T on the coding strand, the complement: CHRNA1 is on the minus strand). VCF-style: chr2-174758022-T-A. GRCh37 (hg19) VCF-style: chr2-175622750-T-A.
Other names: c.235-2A>T (NM_001039523.3).
Identifiers: ClinVar variation 4282037 (VCV004282037.1).

ClinVar aggregate classification (germline): Uncertain significance (1 of 4 stars; one submission).

gnomAD v4.1: 1 of 1,614,100 alleles (0.000062%); highest among the groups gnomAD compares: East Asian, 0.0022%; no homozygotes.

Submission:

GeneDx
Classification: Uncertain significance. Last evaluated: 2025-04-09. Review status: criteria provided, single submitter. Criteria: GeneDx Variant Classification Process June 2021. Collection method: clinical testing. Allele origin: germline. Affected: yes.
Comment: Not observed at significant frequency in large population cohorts (gnomAD); Canonical splice site variant; however, in the absence of RNA/functional studies, the actual effect of this sequence change is unknown; Has not been previously published as pathogenic or benign to our knowledge; Reported using an alternate transcript of the gene